The following is an entry in ClinVar:

ClinVar aggregate classification (germline): Likely benign. Review status: criteria provided, single submitter (1 of 4 stars). 2 submissions from 2 submitters: Likely benign (1). 1 of the submissions does not count toward it. Last evaluated 2022-06-14.

Conditions:
PKD1-related disorder. Also called: PKD1-related condition.
Polycystic kidney disease, adult type (PKD1). Also called: POLYCYSTIC KIDNEY DISEASE 1 WITH OR WITHOUT POLYCYSTIC LIVER DISEASE; POLYCYSTIC KIDNEY DISEASE, ADULT, TYPE I; Polycystic Kidney Disease 1, Autosomal Dominant; Polycystic kidney disease 1; Polycystic kidney disease 1, severe; Polycystic Kidney, Autosomal Dominant. Identifiers: MedGen C3149841, MONDO:0008263, OMIM 173900.

Allele frequency attached by ClinVar (database versions not stated): gnomAD 0.00003; TOPMed 0.00004; 1000 Genomes Project 30x 0.00016; 1000 Genomes Project 0.00020.
gnomAD v4.1: 67 of 1,608,364 alleles (0.0042%); highest among the groups gnomAD compares: South Asian, 0.036%; no homozygotes.

Submissions (2):

Department of Pathology and Laboratory Medicine, Sinai Health System
Classification: Likely benign for Polycystic kidney disease, adult type. Last evaluated: 2022-06-14. Review status: criteria provided, single submitter. Criteria: ACMG Guidelines, 2015. Collection method: clinical testing. Allele origin: germline. Affected: yes.

PreventionGenetics, part of Exact Sciences
Classification: Likely benign for PKD1-related condition. Last evaluated: 2019-10-21. Review status: no assertion criteria provided. Collection method: clinical testing. Allele origin: germline. Not counted in ClinVar's aggregate classification.
Comment: This variant is classified as likely benign based on ACMG/AMP sequence variant interpretation guidelines (Richards et al. 2015 PMID: 25741868, with internal and published modifications).

NM_001009944.3(PKD1):c.3384C>T (p.Ser1128=)

Gene: PKD1 (polycystin 1, transient receptor potential channel interacting; minus strand). Cytogenetic location: 16p13.3.
Variant type: single nucleotide variant.
Coding change: c.3384C>T on transcript NM_001009944.3 (MANE Select); coding-DNA position 3384, C replaced by T.
Protein change: p.Ser1128=; no amino-acid change (serine 1128 retained).
Molecular consequence: synonymous variant.
Genome position (GRCh38, 1-based): chr16:2,111,783, G>A on the plus strand (C>T on the coding strand, the complement: PKD1 is on the minus strand). VCF-style: chr16-2111783-G-A. GRCh37 (hg19) VCF-style: chr16-2161784-G-A.
Other names: c.3384C>T, p.Ser1128= (NM_000296.4).
Identifiers: ClinVar variation 3043405 (VCV003043405.3), dbSNP rs530066894, ClinGen allele CA7832786.